The following is an entry in ClinVar:

ClinVar aggregate classification (germline): Benign/Likely benign. Review status: criteria provided, multiple submitters, no conflicts (2 of 4 stars). 9 submissions from 9 submitters: Benign (7); Likely benign (2). Last evaluated 2026-02-01.

Conditions:
Hearing loss, X-linked 6. Also called: Deafness, X-linked 6. Identifiers: Orphanet 90625, MedGen C3806737, MONDO:0010484, OMIM 300914.
Lymphedema. Also called: Lymphoedema. Identifiers: MedGen C0024236, MONDO:0019297, HP:0001004.

Allele frequency attached by ClinVar (database versions not stated): 1000 Genomes Project 0.00132; 1000 Genomes Project 30x 0.00208; TOPMed 0.00620; ESP Exome Variant Server 0.00776.
gnomAD v4.1: 10,463 of 1,205,604 alleles (0.87%); highest among the groups gnomAD compares: Non-Finnish European, 1.1%; 41 homozygotes.

Submissions (9):

Labcorp Genetics (formerly Invitae), Labcorp
Classification: Benign. Last evaluated: 2026-02-01. Review status: criteria provided, single submitter. Criteria: Invitae Variant Classification Sherloc (09022015). Collection method: clinical testing. Allele origin: germline.

Blueprint Genetics
Classification: Likely benign. Last evaluated: 2024-11-27. Review status: criteria provided, single submitter. Criteria: ACMG Guidelines, 2015. Collection method: clinical testing. Allele origin: germline.

Mayo Clinic Laboratories, Mayo Clinic
Classification: Benign. Last evaluated: 2023-06-19. Review status: criteria provided, single submitter. Criteria: ACMG Guidelines, 2015. Collection method: clinical testing. Allele origin: germline. Observed: 4 variant alleles.
Comment: BS1, BS2, BP4

Genome-Nilou Lab
Classification: Benign for Hearing loss, X-linked 6. Last evaluated: 2022-03-15. Review status: criteria provided, single submitter. Criteria: ACMG Guidelines, 2015. Collection method: clinical testing. Allele origin: germline. Affected: no.

Fulgent Genetics
Classification: Benign for Hearing loss, X-linked 6. Last evaluated: 2021-07-16. Review status: criteria provided, single submitter. Criteria: ACMG Guidelines, 2015. Collection method: clinical testing. Allele origin: unknown.

Cambridge Genomics Laboratory, East Genomic Laboratory Hub, NHS Genomic Medicine Service
Classification: Likely benign for Lymphedema. Last evaluated: 2020-03-30. Review status: criteria provided, single submitter. Criteria: ACGS Best Practice Guidelines for Variant Classification in Rare Disease 2020. Collection method: clinical testing. Allele origin: germline. Affected: yes. Observed: 1 variant allele.

GeneDx
Classification: Benign. Last evaluated: 2018-05-22. Review status: criteria provided, single submitter. Criteria: GeneDx Variant Classification (06012015). Collection method: clinical testing. Allele origin: germline. Affected: yes.
Comment: This variant is considered likely benign or benign based on one or more of the following criteria: it is a conservative change, it occurs at a poorly conserved position in the protein, it is predicted to be benign by multiple in silico algorithms, and/or has population frequency not consistent with disease.

Eurofins Ntd Llc (ga)
Classification: Benign. Last evaluated: 2017-06-01. Review status: criteria provided, single submitter. Criteria: EGL Classification Definitions 2015. Collection method: clinical testing. Allele origin: germline. Observed: 1 variant allele, 1 heterozygote.

Breakthrough Genomics
Classification: Benign. Review status: criteria provided, single submitter. Criteria: ACMG Guidelines, 2015. Collection method: not provided. Allele origin: germline. Inheritance: X-linked inheritance. Affected: yes.

NM_033641.4(COL4A6):c.1379G>A (p.Arg460Gln)

Gene: COL4A6 (collagen type IV alpha 6 chain; minus strand). Cytogenetic location: Xq22.3.
Variant type: single nucleotide variant.
Coding change: c.1379G>A on transcript NM_033641.4 (MANE Select); coding-DNA position 1379, G replaced by A.
Protein change: p.Arg460Gln; replaces arginine 460 with glutamine.
Molecular consequence: missense variant.
Genome position (GRCh38, 1-based): chrX:108,190,439, C>T on the plus strand (G>A on the coding strand, the complement: COL4A6 is on the minus strand). VCF-style: chrX-108190439-C-T. GRCh37 (hg19) VCF-style: chrX-107433669-C-T.
Other names: p.Arg461Gln; c.1379G>A, p.Arg460Gln (NM_001287758.2, NM_001287759.2, NM_001287760.2); c.1382G>A, p.Arg461Gln (NM_001847.4); short protein forms R461Q, R460Q.
Identifiers: ClinVar variation 502185 (VCV000502185.21), dbSNP rs34740537, ClinGen allele CA10487846.